The following is an entry in ClinVar:

ClinVar aggregate classification (germline): Pathogenic (1 of 4 stars; one submission).

Submission:

Labcorp Genetics (formerly Invitae), Labcorp
Classification: Pathogenic. Last evaluated: 2023-05-29. Review status: criteria provided, single submitter. Criteria: Invitae Variant Classification Sherloc (09022015). Collection method: clinical testing. Allele origin: germline.
Comment: For these reasons, this variant has been classified as Pathogenic. This variant has not been reported in the literature in individuals affected with PHEX-related conditions. This variant is not present in population databases (gnomAD no frequency). This sequence change creates a premature translational stop signal (p.Lys659Asnfs*3) in the PHEX gene. It is expected to result in an absent or disrupted protein product. Loss-of-function variants in PHEX are known to be pathogenic (PMID: 9097956, 9106524, 19219621).

Literature cited by the submitters: PubMed 9097956; PubMed 9106524; PubMed 19219621.

NM_000444.6(PHEX):c.1974del (p.Lys659fs)

Genes: PHEX (phosphate regulating endopeptidase X-linked; plus strand), PTCHD1-AS (PTCHD1 and PHEX antisense RNA; minus strand). Cytogenetic location: Xp22.11.
Variant type: Deletion.
Coding change: c.1974del on transcript NM_000444.6 (MANE Select); coding-DNA position 1974, one base deleted (G; older notation c.1974delG).
Protein change: p.Lys659fs; shifts the reading frame from lysine 659.
Molecular consequence: frameshift variant. On other transcripts: non-coding transcript variant (1).
Genome position (GRCh38, 1-based): chrX:22,227,515, G deleted; the last of 2 consecutive G bases (chrX:22,227,514-22,227,515); deleting either gives the same sequence. VCF-style (leftmost placement, unchanged base first): chrX-22227513-AG-A. GRCh37 (hg19) VCF-style: chrX-22245630-AG-A.
Other names: c.1974del, p.Lys659fs (NM_001282754.2); short protein forms K659fs.
Identifiers: ClinVar variation 2866352 (VCV002866352.3), dbSNP rs2518676602, ClinGen allele CA2739268118.